The following is an entry in ClinVar:

NM_000206.3(IL2RG):c.853C>T (p.Arg285Trp)

Gene: IL2RG (interleukin 2 receptor subunit gamma; minus strand). Cytogenetic location: Xq13.1.
Variant type: single nucleotide variant.
Coding change: c.853C>T on transcript NM_000206.3 (MANE Select); coding-DNA position 853, C replaced by T.
Protein change: p.Arg285Trp; replaces arginine 285 with tryptophan.
Molecular consequence: missense variant. On other transcripts: intron variant (1).
Genome position (GRCh38, 1-based): chrX:71,108,600, G>A on the plus strand (C>T on the coding strand, the complement: IL2RG is on the minus strand). VCF-style: chrX-71108600-G-A. GRCh37 (hg19) VCF-style: chrX-70328450-G-A.
Other names: c.758-254C>T (NM_001438870.1); short protein forms R285W.
Identifiers: ClinVar variation 4747910 (VCV004747910.1).

ClinVar aggregate classification (germline): Uncertain significance (1 of 4 stars; one submission).

Conditions:
X-linked severe combined immunodeficiency (SCIDX1). Also called: IMMUNODEFICIENCY 4; SCID, X-LINKED; SEVERE COMBINED IMMUNODEFICIENCY, X-LINKED, T CELL-NEGATIVE, B CELL-POSITIVE, NK CELL-NEGATIVE; X-Linked Combined Immunodeficiency Diseases; T-B+ severe combined immunodeficiency due to gamma chain deficiency. Identifiers: Orphanet 276, MedGen C6022468, MONDO:0010315, OMIM 300400. Disease mechanism: loss of function.

gnomAD v4.1: 9 of 1,177,524 alleles (0.00076%); highest among the groups gnomAD compares: East Asian, 0.0031%; no homozygotes.

Submission:

Labcorp Genetics (formerly Invitae), Labcorp
Classification: Uncertain significance for X-linked severe combined immunodeficiency. Last evaluated: 2025-02-17. Review status: criteria provided, single submitter. Criteria: Invitae Variant Classification Sherloc (09022015). Collection method: clinical testing. Allele origin: germline.
Comment: This sequence change replaces arginine, which is basic and polar, with tryptophan, which is neutral and slightly polar, at codon 285 of the IL2RG protein (p.Arg285Trp). This variant is not present in population databases (gnomAD no frequency). This variant has not been reported in the literature in individuals affected with IL2RG-related conditions. Invitae Evidence Modeling of protein sequence and biophysical properties (such as structural, functional, and spatial information, amino acid conservation, physicochemical variation, residue mobility, and thermodynamic stability) indicates that this missense variant is expected to disrupt IL2RG protein function with a positive predictive value of 95%. Algorithms developed to predict the effect of sequence changes on RNA splicing suggest that this variant may disrupt the consensus splice site. In summary, the available evidence is currently insufficient to determine the role of this variant in disease. Therefore, it has been classified as a Variant of Uncertain Significance.